The following is an entry in ClinVar:

ClinVar aggregate classification (germline): Uncertain significance (1 of 4 stars; one submission).

Conditions:
Joubert syndrome 21 (JBTS21). Identifiers: MedGen C3810212, MONDO:0014288, OMIM 615636.

Allele frequency attached by ClinVar (database versions not stated): TOPMed below 0.00001; gnomAD exomes below 0.00001; gnomAD 0.00001.
gnomAD v4.1: 7 of 1,614,008 alleles (0.00043%); highest among the groups gnomAD compares: Non-Finnish European, 0.00059%; no homozygotes.

Submission:

Labcorp Genetics (formerly Invitae), Labcorp
Classification: Uncertain significance for Joubert syndrome 21. Last evaluated: 2024-12-23. Review status: criteria provided, single submitter. Criteria: Invitae Variant Classification Sherloc (09022015). Collection method: clinical testing. Allele origin: germline.
Comment: This sequence change replaces aspartic acid, which is acidic and polar, with asparagine, which is neutral and polar, at codon 1080 of the CSPP1 protein (p.Asp1080Asn). This variant is present in population databases (no rsID available, gnomAD 0.0009%). This variant has not been reported in the literature in individuals affected with CSPP1-related conditions. ClinVar contains an entry for this variant (Variation ID: 2028338). An algorithm developed to predict the effect of missense changes on protein structure and function (PolyPhen-2) suggests that this variant is likely to be disruptive. Algorithms developed to predict the effect of sequence changes on RNA splicing suggest that this variant may disrupt the consensus splice site. In summary, the available evidence is currently insufficient to determine the role of this variant in disease. Therefore, it has been classified as a Variant of Uncertain Significance.

NM_001382391.1(CSPP1):c.3253G>A (p.Asp1085Asn)

Genes: ARFGEF1 (ARF guanine nucleotide exchange factor 1; minus strand), CSPP1 (centrosome and spindle pole associated protein 1; plus strand). Cytogenetic location: 8q13.2.
Variant type: single nucleotide variant.
Coding change: c.3253G>A on transcript NM_001382391.1 (MANE Select); coding-DNA position 3253, G replaced by A.
Protein change: p.Asp1085Asn; replaces aspartic acid 1085 with asparagine.
Molecular consequence: missense variant. On other transcripts: intron variant (2).
Genome position (GRCh38, 1-based): chr8:67,190,682, G>A. VCF-style: chr8-67190682-G-A. GRCh37 (hg19) VCF-style: chr8-68102917-G-A.
Other names: c.2203G>A, p.Asp735Asn (NM_001291339.2); c.3172G>A, p.Asp1058Asn (NM_001363131.2); c.3058G>A, p.Asp1020Asn (NM_001363132.2); c.2977G>A, p.Asp993Asn (NM_001363133.2); c.3319G>A, p.Asp1107Asn (NM_001364869.1); c.3139G>A, p.Asp1047Asn (NM_001364870.1); c.3085G>A, p.Asp1029Asn (NM_001438330.1); c.3238G>A, p.Asp1080Asn (NM_001438331.1, NM_024790.7); and 3 more; short protein forms D1080N, D735N, D1020N, D1085N, D1107N, D993N, D1047N, D1058N.
Identifiers: ClinVar variation 2028338 (VCV002028338.3), dbSNP rs965097503, ClinGen allele CA178215695.